The following is an entry in ClinVar:

ClinVar aggregate classification (germline): Uncertain significance (1 of 4 stars; one submission).

Submission:

Labcorp Genetics (formerly Invitae), Labcorp
Classification: Uncertain significance. Last evaluated: 2025-10-19. Review status: criteria provided, single submitter. Criteria: Invitae Variant Classification Sherloc (09022015). Collection method: clinical testing. Allele origin: germline.
Comment: This sequence change replaces leucine, which is neutral and non-polar, with proline, which is neutral and non-polar, at codon 82 of the ANK1 protein (p.Leu82Pro). This variant is not present in population databases (gnomAD no frequency). This missense change has been observed in individual(s) with hereditary spherocytosis (PMID: 31723846). Invitae Evidence Modeling of protein sequence and biophysical properties (such as structural, functional, and spatial information, amino acid conservation, physicochemical variation, residue mobility, and thermodynamic stability) has been performed for this missense variant. However, the output from this modeling did not meet the statistical confidence thresholds required to predict the impact of this variant on ANK1 protein function. In summary, the available evidence is currently insufficient to determine the role of this variant in disease. Therefore, it has been classified as a Variant of Uncertain Significance.

Literature cited by the submitters: PubMed 31723846.

NM_000037.4(ANK1):c.245T>C (p.Leu82Pro)

Gene: ANK1 (ankyrin 1; minus strand). Cytogenetic location: 8p11.21.
Variant type: single nucleotide variant.
Coding change: c.245T>C on transcript NM_000037.4 (MANE Select); coding-DNA position 245, T replaced by C.
Protein change: p.Leu82Pro; replaces leucine 82 with proline.
Molecular consequence: missense variant.
Genome position (GRCh38, 1-based): chr8:41,727,990, A>G on the plus strand (T>C on the coding strand, the complement: ANK1 is on the minus strand). VCF-style: chr8-41727990-A-G. GRCh37 (hg19) VCF-style: chr8-41585508-A-G.
Other names: c.344T>C, p.Leu115Pro (NM_001142446.2); c.245T>C, p.Leu82Pro (NM_020475.3, NM_020476.3, NM_020477.3); short protein forms L82P, L115P.
Identifiers: ClinVar variation 4695061 (VCV004695061.1).
Genomic context (GRCh38, chr8:41,727,990, plus strand): 5'-GCTCCATAGTTGACAAGCTCCCGGACCACCTCATCCTGCCCGGCTAGAGCAGCGATGTGC[A>G]GGGCCGTGTTCCCCTTCTGAAACACATGGGGGAAGGGAACAGAGGCGGTTTCCCACTGGG-3'
Protein context (NP_000028.3, residues 72-92): ETTTKKGNTA[Leu82Pro]HIAALAGQDE